The following is an entry in ClinVar:

NM_000145.4(FSHR):c.*111T>C

Gene: FSHR (follicle stimulating hormone receptor; minus strand). Cytogenetic location: 2p16.3.
Variant type: single nucleotide variant.
Coding change: c.*111T>C on transcript NM_000145.4 (MANE Select); 111 bases downstream of the stop codon, T replaced by C.
Molecular consequence: 3 prime UTR variant.
Genome position (GRCh38, 1-based): chr2:48,962,622, A>G on the plus strand (T>C on the coding strand, the complement: FSHR is on the minus strand). VCF-style: chr2-48962622-A-G. GRCh37 (hg19) VCF-style: chr2-49189761-A-G.
Other names: c.*111T>C (NM_181446.3).
Identifiers: ClinVar variation 336478 (VCV000336478.5), dbSNP rs140106399, ClinGen allele CA10615524.

ClinVar aggregate classification (germline): Likely benign. Review status: criteria provided, single submitter (1 of 4 stars). 2 submissions from 1 submitter: Likely benign (2). Last evaluated 2018-01-13.

Conditions:
Ovarian hyperstimulation syndrome (OHSS). Also called: OVARIAN HYPERSTIMULATION SYNDROME, FAMILIAL GESTATIONAL SPONTANEOUS. Identifiers: Orphanet 64739, MedGen C0085083, MONDO:0011972, OMIM 608115.
Ovarian dysgenesis 1 (ODG1). Also called: GONADAL DYSGENESIS, XX TYPE; OVARIAN DYSGENESIS, HYPERGONADOTROPIC, AUTOSOMAL RECESSIVE; OVARIAN DYSGENESIS, HYPERGONADOTROPIC, WITH NORMAL KARYOTYPE; OVARIAN FAILURE, HYPERGONADOTROPIC; Gonadal dysgenesis XX type deafness. Identifiers: Orphanet 243, MedGen C0949595, MONDO:0024463, OMIM 233300.

Allele frequency attached by ClinVar (database versions not stated): gnomAD 0.00073 and 0.00106; TOPMed 0.00138; 1000 Genomes Project 30x 0.00468; 1000 Genomes Project 0.00499.
gnomAD v4.1: 1,025 of 1,108,632 alleles (0.092%); highest among the groups gnomAD compares: East Asian, 2.3%; 9 homozygotes.

Submissions (2):

Illumina Laboratory Services, Illumina
Classification: Likely benign for Ovarian hyperstimulation syndrome. Last evaluated: 2018-01-13. Review status: criteria provided, single submitter. Criteria: ICSL Variant Classification Criteria 13 December 2019. Collection method: clinical testing. Allele origin: germline.
Comment: This variant was observed in the ICSL laboratory as part of a predisposition screen in an ostensibly healthy population. It had not been previously curated by ICSL or reported in the Human Gene Mutation Database (HGMD: prior to June 1st, 2018), and was therefore a candidate for classification through an automated scoring system. Utilizing variant allele frequency, disease prevalence and penetrance estimates, and inheritance mode, an automated score was calculated to assess if this variant is too frequent to cause the disease. Based on the score and internal cut-off values, a variant classified as likely benign is not then subjected to further curation. The score for this variant resulted in a classification of likely benign for this disease.

Illumina Laboratory Services, Illumina
Classification: Likely benign for Ovarian dysgenesis 1. Last evaluated: 2018-01-13. Review status: criteria provided, single submitter. Criteria: ICSL Variant Classification Criteria 13 December 2019. Collection method: clinical testing. Allele origin: germline.
Comment: the same text as in the submission from Illumina Laboratory Services, Illumina above.